The following is an entry in ClinVar:

ClinVar aggregate classification (germline): Uncertain significance. Review status: criteria provided, multiple submitters, no conflicts (2 of 4 stars). 3 submissions from 3 submitters: Uncertain significance (3). Last evaluated 2025-04-28.

Conditions:
Familial thoracic aortic aneurysm and aortic dissection (TAAD). Also called: Thoracic aortic aneurysms and dissections. Identifiers: Orphanet 91387, MedGen C4707243, MONDO:0019625.
Aortic aneurysm, familial thoracic 4 (AAT4). Also called: AORTIC ANEURYSM/AORTIC DISSECTION AND PATENT DUCTUS ARTERIOSUS. Identifiers: MedGen C1851504, MONDO:0007568, OMIM 132900.

Allele frequency attached by ClinVar (database versions not stated): gnomAD 0.00001; gnomAD exomes 0.00001; ExAC 0.00002.
gnomAD v4.1: 31 of 1,613,884 alleles (0.0019%); highest among the groups gnomAD compares: Non-Finnish European, 0.0024%; no homozygotes.

Submissions (3):

Color Diagnostics, LLC DBA Color Health
Classification: Uncertain significance for Familial thoracic aortic aneurysm and aortic dissection. Last evaluated: 2025-04-28. Review status: criteria provided, single submitter. Criteria: ACMG Guidelines, 2015. Collection method: clinical testing. Allele origin: germline.
Comment: This missense variant replaces aspartic acid with asparagine at codon 624 of the MYH11 protein. Computational prediction suggests that this variant may not impact protein structure and function. To our knowledge, functional studies have not been reported for this variant. This variant has not been reported in individuals affected with MYH11-related disorders in the literature. This variant has been identified in 3/251470 chromosomes in the general population by the Genome Aggregation Database (gnomAD). The available evidence is insufficient to determine the role of this variant in disease conclusively. Therefore, this variant is classified as a Variant of Uncertain Significance.

Ambry Genetics
Classification: Uncertain significance for Familial thoracic aortic aneurysm and aortic dissection. Last evaluated: 2025-01-04. Review status: criteria provided, single submitter. Criteria: Ambry Variant Classification Scheme 2023. Collection method: clinical testing. Allele origin: germline.
Comment: The p.D617N variant (also known as c.1849G>A), located in coding exon 14 of the MYH11 gene, results from a G to A substitution at nucleotide position 1849. The aspartic acid at codon 617 is replaced by asparagine, an amino acid with highly similar properties. This amino acid position is conserved. In addition, this alteration is predicted to be tolerated by in silico analysis. Based on the available evidence, the clinical significance of this variant remains unclear.

Labcorp Genetics (formerly Invitae), Labcorp
Classification: Uncertain significance for Aortic aneurysm, familial thoracic 4. Last evaluated: 2024-08-15. Review status: criteria provided, single submitter. Criteria: Invitae Variant Classification Sherloc (09022015). Collection method: clinical testing. Allele origin: germline.
Comment: This sequence change replaces aspartic acid, which is acidic and polar, with asparagine, which is neutral and polar, at codon 624 of the MYH11 protein (p.Asp624Asn). This variant is present in population databases (rs766985744, gnomAD 0.006%). This variant has not been reported in the literature in individuals affected with MYH11-related conditions. ClinVar contains an entry for this variant (Variation ID: 1400281). Invitae Evidence Modeling of protein sequence and biophysical properties (such as structural, functional, and spatial information, amino acid conservation, physicochemical variation, residue mobility, and thermodynamic stability) indicates that this missense variant is not expected to disrupt MYH11 protein function with a negative predictive value of 95%. In summary, the available evidence is currently insufficient to determine the role of this variant in disease. Therefore, it has been classified as a Variant of Uncertain Significance.

NM_002474.3(MYH11):c.1849G>A (p.Asp617Asn)

Gene: MYH11 (myosin heavy chain 11; minus strand). Cytogenetic location: 16p13.11.
Variant type: single nucleotide variant.
Coding change: c.1849G>A on transcript NM_002474.3 (MANE Select); coding-DNA position 1849, G replaced by A.
Protein change: p.Asp617Asn; replaces aspartic acid 617 with asparagine.
Molecular consequence: missense variant.
Genome position (GRCh38, 1-based): chr16:15,753,409, C>T on the plus strand (G>A on the coding strand, the complement: MYH11 is on the minus strand). VCF-style: chr16-15753409-C-T. GRCh37 (hg19) VCF-style: chr16-15847266-C-T.
Other names: c.1870G>A, p.Asp624Asn (NM_001040113.2, NM_001040114.2); c.1849G>A, p.Asp617Asn (NM_022844.3); c.1849G>A (NM_002474.2); short protein forms D617N, D624N.
Identifiers: ClinVar variation 1400281 (VCV001400281.9), dbSNP rs766985744, ClinGen allele CA7922497.
Genomic context (GRCh38, chr16:15,753,409, plus strand): 5'-CTCCAGCTCAAAGCAGAACATGGACCCGAGCAGAGAAGGCCTTACCGTCCTTCCACAGGT[C>T]GGCCACAAACTTGTCGGAGGAGGCATTGAGCAGGGAAGTCACGTTGTCATTCAGCGGGTC-3'
Protein context (NP_002465.1, residues 607-627): LNASSDKFVA[Asp617Asn]LWKDVDRIVG